The following is an entry in ClinVar:

NM_000264.5(PTCH1):c.127G>A (p.Ala43Thr)

Genes: PTCH1 (patched 1; minus strand), LOC130002133 (ATAC-STARR-seq lymphoblastoid silent region 20071; plus strand). Cytogenetic location: 9q22.32.
Variant type: single nucleotide variant.
Coding change: c.127G>A on transcript NM_000264.5 (MANE Select); coding-DNA position 127, G replaced by A.
Protein change: p.Ala43Thr; replaces alanine 43 with threonine.
Molecular consequence: missense variant. On other transcripts: non-coding transcript variant (1), intron variant (3).
Genome position (GRCh38, 1-based): chr9:95,508,235, C>T on the plus strand (G>A on the coding strand, the complement: PTCH1 is on the minus strand). VCF-style: chr9-95508235-C-T. GRCh37 (hg19) VCF-style: chr9-98270517-C-T.
Other names: c.127G>A, p.Ala43Thr (NM_001354918.2); c.199-1636G>A (NM_001083603.3); c.4-1636G>A (NM_001083602.3, NM_001354919.2); short protein forms A43T.
Identifiers: ClinVar variation 1024087 (VCV001024087.11), dbSNP rs766536174, ClinGen allele CA5139042.

ClinVar aggregate classification (germline): Conflicting classifications of pathogenicity. Review status: criteria provided, conflicting classifications (1 of 4 stars). 2 submissions from 2 submitters: Uncertain significance (1); Benign (1). Last evaluated 2025-06-22.

Conditions:
Hereditary cancer-predisposing syndrome. Also called: Hereditary neoplastic syndrome; Neoplastic Syndromes, Hereditary; Tumor predisposition; Hereditary Cancer Syndrome. Identifiers: Orphanet 140162, MedGen C0027672, MeSH D009386, MONDO:0015356.
Gorlin syndrome. Also called: Nevoid Basal Cell Carcinoma Syndrome; Basal cell nevus syndrome. Identifiers: Orphanet 377, MedGen C0004779, MONDO:0007187.

Allele frequency attached by ClinVar (database versions not stated): gnomAD 0.00001; TOPMed 0.00001; ExAC 0.00001; gnomAD exomes 0.00002.

Submissions (2):

Labcorp Genetics (formerly Invitae), Labcorp
Classification: Benign for Gorlin syndrome. Last evaluated: 2025-06-22. Review status: criteria provided, single submitter. Criteria: Invitae Variant Classification Sherloc (09022015). Collection method: clinical testing. Allele origin: germline.

Ambry Genetics
Classification: Uncertain significance for Hereditary cancer-predisposing syndrome. Last evaluated: 2024-01-30. Review status: criteria provided, single submitter. Criteria: Ambry Variant Classification Scheme 2023. Collection method: clinical testing. Allele origin: germline.
Comment: The p.A43T variant (also known as c.127G>A), located in coding exon 1 of the PTCH1 gene, results from a G to A substitution at nucleotide position 127. The alanine at codon 43 is replaced by threonine, an amino acid with similar properties. This amino acid position is well conserved in available vertebrate species. In addition, this alteration is predicted to be tolerated by in silico analysis. Since supporting evidence is limited at this time, the clinical significance of this alteration remains unclear.